The following is an entry in ClinVar:

ClinVar aggregate classification (germline): Uncertain significance (1 of 4 stars; one submission).

Conditions:
Familial thoracic aortic aneurysm and aortic dissection (TAAD). Also called: Thoracic aortic aneurysms and dissections. Identifiers: Orphanet 91387, MedGen C4707243, MONDO:0019625.

Submission:

Ambry Genetics
Classification: Uncertain significance for Familial thoracic aortic aneurysm and aortic dissection. Last evaluated: 2026-06-27. Review status: criteria provided, single submitter. Criteria: Ambry Variant Classification Scheme 2023. Collection method: clinical testing. Allele origin: germline.
Comment: The p.V273G variant (also known as c.818T>G), located in coding exon 5 of the NOTCH1 gene, results from a T to G substitution at nucleotide position 818. The valine at codon 273 is replaced by glycine, an amino acid with dissimilar properties. This amino acid position is conserved. In addition, this alteration is predicted to be deleterious by in silico analysis. Based on the available evidence, the clinical significance of this variant remains unclear.

NM_017617.5(NOTCH1):c.818T>G (p.Val273Gly)

Gene: NOTCH1 (notch receptor 1; minus strand). Cytogenetic location: 9q34.3.
Variant type: single nucleotide variant.
Coding change: c.818T>G on transcript NM_017617.5 (MANE Select); coding-DNA position 818, T replaced by G.
Protein change: p.Val273Gly; replaces valine 273 with glycine.
Molecular consequence: missense variant.
Genome position (GRCh38, 1-based): chr9:136,519,490, A>C on the plus strand (T>G on the coding strand, the complement: NOTCH1 is on the minus strand). VCF-style: chr9-136519490-A-C. GRCh37 (hg19) VCF-style: chr9-139413942-A-C.
Other names: short protein forms V273G.
Identifiers: ClinVar variation 5025793 (VCV005025793.1).